The following is an entry in ClinVar:

NM_001365536.1(SCN9A):c.2875-1G>A

Genes: SCN1A-AS1 (SCN1A and SCN9A antisense RNA 1; plus strand), SCN9A (sodium voltage-gated channel alpha subunit 9; minus strand). Cytogenetic location: 2q24.3.
Variant type: single nucleotide variant.
Coding change: c.2875-1G>A on transcript NM_001365536.1 (MANE Select); the canonical splice acceptor site of the intron before coding-DNA position 2875, G replaced by A.
Molecular consequence: splice acceptor variant.
Genome position (GRCh38, 1-based): chr2:166,272,876, C>T on the plus strand (G>A on the coding strand, the complement: SCN9A is on the minus strand). VCF-style: chr2-166272876-C-T. GRCh37 (hg19) VCF-style: chr2-167129386-C-T.
Other names: c.2842-1G>A (NM_002977.4).
Identifiers: ClinVar variation 2008732 (VCV002008732.4), dbSNP rs2467986204, ClinGen allele CA349075094.

ClinVar aggregate classification (germline): Likely pathogenic (1 of 4 stars; one submission).

Conditions:
Generalized epilepsy with febrile seizures plus, type 7 (GEFSP7). Also called: GEFS+, TYPE 7. Identifiers: Orphanet 36387, MedGen C2751778, MONDO:0013470, OMIM 613863.
Neuropathy, hereditary sensory and autonomic, type 2A (HSAN2A). Also called: HSAN IIA; ACROOSTEOLYSIS, GIACCAI TYPE; ACROOSTEOLYSIS, NEUROGENIC; MORVAN DISEASE; NEUROPATHY, CONGENITAL SENSORY; NEUROPATHY, HEREDITARY SENSORY RADICULAR, AUTOSOMAL RECESSIVE. Identifiers: Orphanet 970, MedGen C2752089, MONDO:0024309, OMIM 201300.

Submission:

Labcorp Genetics (formerly Invitae), Labcorp
Classification: Likely pathogenic for Neuropathy, hereditary sensory and autonomic, type 2A; Generalized epilepsy with febrile seizures plus, type 7. Last evaluated: 2025-06-19. Review status: criteria provided, single submitter. Criteria: Invitae Variant Classification Sherloc (09022015). Collection method: clinical testing. Allele origin: germline.
Comment: This sequence change affects an acceptor splice site in intron 16 of the SCN9A gene. It is expected to disrupt RNA splicing. Variants that disrupt the donor or acceptor splice site typically lead to a loss of protein function (PMID: 16199547), and loss-of-function variants in SCN9A are known to be pathogenic (PMID: 17470132, 19304393). This variant is not present in population databases (gnomAD no frequency). This variant has not been reported in the literature in individuals affected with SCN9A-related conditions. ClinVar contains an entry for this variant (Variation ID: 2008732). Algorithms developed to predict the effect of sequence changes on RNA splicing suggest that this variant may disrupt the consensus splice site. In summary, the currently available evidence indicates that the variant is pathogenic, but additional data are needed to prove that conclusively. Therefore, this variant has been classified as Likely Pathogenic.

Literature cited by the submitters: PubMed 16199547; PubMed 17470132; PubMed 19304393.